The following is an entry in ClinVar:

ClinVar aggregate classification (germline): Benign. Review status: criteria provided, multiple submitters, no conflicts (2 of 4 stars). 2 submissions from 2 submitters: Benign (2). Last evaluated 2018-06-14.

Allele frequency attached by ClinVar (database versions not stated): 1000 Genomes Project 0.28315; 1000 Genomes Project 30x 0.29091; gnomAD 0.35028 and 0.36016; TOPMed 0.35128.
gnomAD v4.1: 53,126 of 152,042 alleles (35%); highest among the groups gnomAD compares: African/African-American, 48%; 10,047 homozygotes.

Submissions (2):

GeneDx
Classification: Benign. Last evaluated: 2018-06-14. Review status: criteria provided, single submitter. Criteria: GeneDx Variant Classification (06012015). Collection method: clinical testing. Allele origin: germline. Affected: yes.
Comment: This variant is considered likely benign or benign based on one or more of the following criteria: it is a conservative change, it occurs at a poorly conserved position in the protein, it is predicted to be benign by multiple in silico algorithms, and/or has population frequency not consistent with disease.

Breakthrough Genomics
Classification: Benign. Review status: criteria provided, single submitter. Criteria: ACMG Guidelines, 2015. Collection method: not provided. Allele origin: germline. Inheritance: Autosomal recessive inheritance. Affected: yes.

NM_001244008.2(KIF1A):c.5021+176A>G

Gene: KIF1A (kinesin family member 1A; minus strand). Cytogenetic location: 2q37.3.
Variant type: single nucleotide variant.
Coding change: c.5021+176A>G on transcript NM_001244008.2 (MANE Select); 176 bases into the intron after coding-DNA position 5021, A replaced by G.
Molecular consequence: intron variant.
Genome position (GRCh38, 1-based): chr2:240,719,598, T>C on the plus strand (A>G on the coding strand, the complement: KIF1A is on the minus strand). VCF-style: chr2-240719598-T-C. GRCh37 (hg19) VCF-style: chr2-241659015-T-C.
Other names: c.4718+176A>G (NM_001379653.1, NM_001379650.1, NM_001379641.1 and 2 more transcripts); c.4994+176A>G (NM_001379645.1, NM_001379633.1); c.4844+176A>G (NM_001379635.1, NM_001379646.1); c.4715+176A>G (NM_001379640.1); c.4742+176A>G (NM_001379639.1); c.4745+176A>G (NM_001379649.1, NM_001320705.2); c.4832+176A>G (NM_001379636.1); c.4997+176A>G (NM_001379632.1); and 7 more.
Identifiers: ClinVar variation 682848 (VCV000682848.2), dbSNP rs10933635, ClinGen allele CA15148645.
Genomic context (GRCh38, chr2:240,719,598, plus strand): 5'-TGGTTCCCAGCCTAGGCATGTGGGTCACAGGGCCCTGCCTGACCTCCCAGCATGGAGCTG[T>C]CCCTCCATGTGGGTCAGGGGCAGCCTGCCTGAACCTCCAGTATGGGCATCAGGCAACCTG-3'